The following is an entry in ClinVar:

NM_004525.3(LRP2):c.1653G>T (p.Leu551Phe)

Gene: LRP2 (LDL receptor related protein 2; minus strand). Cytogenetic location: 2q31.1.
Variant type: single nucleotide variant.
Coding change: c.1653G>T on transcript NM_004525.3 (MANE Select); coding-DNA position 1653, G replaced by T.
Protein change: p.Leu551Phe; replaces leucine 551 with phenylalanine.
Molecular consequence: missense variant.
Genome position (GRCh38, 1-based): chr2:169,277,864, C>A on the plus strand (G>T on the coding strand, the complement: LRP2 is on the minus strand). VCF-style: chr2-169277864-C-A. GRCh37 (hg19) VCF-style: chr2-170134374-C-A.
Other names: short protein forms L551F.
Identifiers: ClinVar variation 1407666 (VCV001407666.6), dbSNP rs1416270515, ClinGen allele CA349145836.

ClinVar aggregate classification (germline): Uncertain significance. Review status: criteria provided, multiple submitters, no conflicts (2 of 4 stars). 4 submissions from 4 submitters: Uncertain significance (4). Last evaluated 2024-01-30.

Conditions:
Inborn genetic diseases. Identifiers: MedGen C0950123, MeSH D030342.
Donnai-Barrow syndrome. Also called: DBS/FOAR SYNDROME; FACIOOCULOACOUSTICORENAL SYNDROME. Identifiers: Orphanet 2143, MedGen C1857277, MONDO:0009104, OMIM 222448.

Allele frequency attached by ClinVar (database versions not stated): gnomAD exomes below 0.00001; gnomAD 0.00001; TOPMed 0.00007.
gnomAD v4.1: 5 of 1,613,982 alleles (0.00031%); highest among the groups gnomAD compares: Admixed American, 0.0033%; no homozygotes.

Submissions (4):

Fulgent Genetics
Classification: Uncertain significance for Donnai-Barrow syndrome. Last evaluated: 2024-01-30. Review status: criteria provided, single submitter. Criteria: ACMG Guidelines, 2015. Collection method: clinical testing. Allele origin: germline.

GeneDx
Classification: Uncertain significance. Last evaluated: 2023-03-26. Review status: criteria provided, single submitter. Criteria: GeneDx Variant Classification Process June 2021. Collection method: clinical testing. Allele origin: germline. Affected: yes.
Comment: Has not been previously published as pathogenic or benign to our knowledge; Not observed at significant frequency in large population cohorts (gnomAD); In silico analysis supports that this missense variant has a deleterious effect on protein structure/function

Labcorp Genetics (formerly Invitae), Labcorp
Classification: Uncertain significance. Last evaluated: 2022-10-05. Review status: criteria provided, single submitter. Criteria: Invitae Variant Classification Sherloc (09022015). Collection method: clinical testing. Allele origin: germline.
Comment: This sequence change replaces leucine, which is neutral and non-polar, with phenylalanine, which is neutral and non-polar, at codon 551 of the LRP2 protein (p.Leu551Phe). This variant is not present in population databases (gnomAD no frequency). This variant has not been reported in the literature in individuals affected with LRP2-related conditions. ClinVar contains an entry for this variant (Variation ID: 1407666). Advanced modeling of protein sequence and biophysical properties (such as structural, functional, and spatial information, amino acid conservation, physicochemical variation, residue mobility, and thermodynamic stability) has been performed at Invitae for this missense variant, however the output from this modeling did not meet the statistical confidence thresholds required to predict the impact of this variant on LRP2 protein function. In summary, the available evidence is currently insufficient to determine the role of this variant in disease. Therefore, it has been classified as a Variant of Uncertain Significance.

Ambry Genetics
Classification: Uncertain significance for Inborn genetic diseases. Last evaluated: 2021-08-10. Review status: criteria provided, single submitter. Criteria: Ambry Variant Classification Scheme 2023. Collection method: clinical testing. Allele origin: germline.